The following is an entry in ClinVar:

NM_022114.4(PRDM16):c.920G>A (p.Arg307His)

Gene: PRDM16 (PR/SET domain 16; plus strand). Cytogenetic location: 1p36.32.
Variant type: single nucleotide variant.
Coding change: c.920G>A on transcript NM_022114.4 (MANE Select); coding-DNA position 920, G replaced by A.
Protein change: p.Arg307His; replaces arginine 307 with histidine.
Molecular consequence: missense variant.
Genome position (GRCh38, 1-based): chr1:3,404,774, G>A. VCF-style: chr1-3404774-G-A. GRCh37 (hg19) VCF-style: chr1-3321338-G-A.
Other names: c.920G>A, p.Arg307His (NM_199454.3); short protein forms R307H.
Identifiers: ClinVar variation 2714648 (VCV002714648.3), dbSNP rs373162966, ClinGen allele CA544031.
Genomic context (GRCh38, chr1:3,404,774, plus strand): 5'-GCAGTGAGCCTCGTCCTCTGCGCAGCCTGGAGCAGCACATGGTCATCCACACGGAGGAGC[G>A]CGAGTACAAATGCGACCAGTGTCCCAAGGCCTTCAACTGGAAGTCCAACCTCATCCGCCA-3'
Protein context (NP_071397.3, residues 297-317): EQHMVIHTEE[Arg307His]EYKCDQCPKA

ClinVar aggregate classification (germline): Uncertain significance (1 of 4 stars; one submission).

Conditions:
Left ventricular noncompaction 8 (LVNC8). Identifiers: Orphanet 154, Orphanet 54260, MedGen C3809288, MONDO:0014152, OMIM 615373.

Allele frequency attached by ClinVar (database versions not stated): ExAC 0.00001; gnomAD exomes 0.00001; ESP Exome Variant Server 0.00008.
gnomAD v4.1: 17 of 1,613,446 alleles (0.0011%); highest among the groups gnomAD compares: Admixed American, 0.0033%; no homozygotes.

Submission:

Labcorp Genetics (formerly Invitae), Labcorp
Classification: Uncertain significance for Left ventricular noncompaction 8. Last evaluated: 2025-10-17. Review status: criteria provided, single submitter. Criteria: Invitae Variant Classification Sherloc (09022015). Collection method: clinical testing. Allele origin: germline.
Comment: This sequence change replaces arginine, which is basic and polar, with histidine, which is basic and polar, at codon 307 of the PRDM16 protein (p.Arg307His). This variant is present in population databases (rs373162966, gnomAD 0.003%). This variant has not been reported in the literature in individuals affected with PRDM16-related conditions. ClinVar contains an entry for this variant (Variation ID: 2714648). An algorithm developed to predict the effect of missense changes on protein structure and function (PolyPhen-2) suggests that this variant is likely to be disruptive. In summary, the available evidence is currently insufficient to determine the role of this variant in disease. Therefore, it has been classified as a Variant of Uncertain Significance.